The following is an entry in ClinVar:

NM_000179.3(MSH6):c.3534T>A (p.Gly1178=)

Gene: MSH6 (mutS homolog 6; plus strand). Cytogenetic location: 2p16.3.
Variant type: single nucleotide variant.
Coding change: c.3534T>A on transcript NM_000179.3 (MANE Select); coding-DNA position 3534, T replaced by A.
Protein change: p.Gly1178=; no amino-acid change (glycine 1178 retained).
Molecular consequence: synonymous variant.
Genome position (GRCh38, 1-based): chr2:47,805,005, T>A. VCF-style: chr2-47805005-T-A. GRCh37 (hg19) VCF-style: chr2-48032144-T-A.
Other names: c.3144T>A, p.Gly1048= (NM_001281492.2); c.2628T>A, p.Gly876= (NM_001281493.2, NM_001281494.2).
Identifiers: ClinVar variation 230381 (VCV000230381.20), dbSNP rs876658537, ClinGen allele CA10578148.

ClinVar aggregate classification (germline): Benign/Likely benign. Review status: criteria provided, multiple submitters, no conflicts (2 of 4 stars). 6 submissions from 6 submitters: Benign (1); Likely benign (5). Last evaluated 2025-11-09.

Conditions:
Hereditary cancer-predisposing syndrome. Also called: Neoplastic Syndromes, Hereditary; Tumor predisposition; Hereditary Cancer Syndrome; Hereditary neoplastic syndrome. Identifiers: Orphanet 140162, MedGen C0027672, MeSH D009386, MONDO:0015356.
Hereditary nonpolyposis colorectal neoplasms. Identifiers: MedGen C0009405, MeSH D003123.
Lynch syndrome. Identifiers: Orphanet 144, MedGen C4552100, MONDO:0005835. Disease mechanism: loss of function.
Lynch syndrome 5 (LYNCH5). Also called: Colorectal cancer, hereditary nonpolyposis, type 5; Hereditary non-polyposis colorectal cancer, type 5. Identifiers: Orphanet 144, MedGen C1833477, MONDO:0013710, OMIM 614350. Disease mechanism: loss of function.

Allele frequency attached by ClinVar (database versions not stated): gnomAD exomes below 0.00001; TOPMed below 0.00001.
gnomAD v4.1: 2 of 1,613,644 alleles (0.00012%); highest among the groups gnomAD compares: Non-Finnish European, 0.00017%; no homozygotes.

Submissions (6):

Labcorp Genetics (formerly Invitae), Labcorp
Classification: Likely benign for Hereditary nonpolyposis colorectal neoplasms. Last evaluated: 2025-11-09. Review status: criteria provided, single submitter. Criteria: Invitae Variant Classification Sherloc (09022015). Collection method: clinical testing. Allele origin: germline.

Myriad Genetics, Inc.
Classification: Benign for Lynch syndrome 5. Last evaluated: 2025-01-07. Review status: criteria provided, single submitter. Criteria: Myriad Autosomal Dominant, Autosomal Recessive and X-Linked Classification Criteria (2023). Collection method: clinical testing. Allele origin: unknown.
Comment: This variant is considered benign. This variant is a silent/synonymous amino acid change and it is not expected to impact splicing.

All of Us Research Program, National Institutes of Health
Classification: Likely benign for Lynch syndrome. Last evaluated: 2023-06-26. Review status: criteria provided, single submitter. Criteria: ACMG Guidelines, 2015. Collection method: clinical testing. Allele origin: germline. Inheritance: Autosomal dominant inheritance. Observed: 1 variant allele, 1 heterozygote.
Comment: This study involves interpretation of variants in research participants for the purpose of population health screening. Participant phenotype was not available at the time of variant classification. Additional details can be found in publication PMID: 35346344, PMCID: PMC8962531

Color Diagnostics, LLC DBA Color Health
Classification: Likely benign for Hereditary cancer-predisposing syndrome. Last evaluated: 2022-05-11. Review status: criteria provided, single submitter. Criteria: ACMG Guidelines, 2015. Collection method: clinical testing. Allele origin: germline.

GeneDx
Classification: Likely benign. Last evaluated: 2016-09-30. Review status: criteria provided, single submitter. Criteria: GeneDx Variant Classification (06012015). Collection method: clinical testing. Allele origin: germline. Affected: yes.
Comment: This variant is considered likely benign or benign based on one or more of the following criteria: it is a conservative change, it occurs at a poorly conserved position in the protein, it is predicted to be benign by multiple in silico algorithms, and/or has population frequency not consistent with disease.

Ambry Genetics
Classification: Likely benign for Hereditary cancer-predisposing syndrome. Last evaluated: 2015-02-16. Review status: criteria provided, single submitter. Criteria: Ambry Variant Classification Scheme 2023. Collection method: clinical testing. Allele origin: germline.